The following is an entry in ClinVar:

NM_003676.4(DEGS1):c.397C>T (p.Arg133Trp)

Gene: DEGS1 (delta 4-desaturase, sphingolipid 1; plus strand). Cytogenetic location: 1q42.11.
Variant type: single nucleotide variant.
Coding change: c.397C>T on transcript NM_003676.4 (MANE Select); coding-DNA position 397, C replaced by T.
Protein change: p.Arg133Trp; replaces arginine 133 with tryptophan.
Molecular consequence: missense variant.
Genome position (GRCh38, 1-based): chr1:224,189,891, C>T. VCF-style: chr1-224189891-C-T. GRCh37 (hg19) VCF-style: chr1-224377593-C-T.
Other names: c.397C>T, p.Arg133Trp (NM_001321541.2); c.289C>T, p.Arg97Trp (NM_001321542.2); short protein forms R133W, R97W.
Identifiers: ClinVar variation 805859 (VCV000805859.4), dbSNP rs1367958450, ClinGen allele CA344709218.

ClinVar aggregate classification (germline): Likely pathogenic. Review status: criteria provided, multiple submitters, no conflicts (2 of 4 stars). 2 submissions from 2 submitters: Likely pathogenic (2). Last evaluated 2019-09-25.

Conditions:
Leukodystrophy, hypomyelinating, 18. Identifiers: MedGen C5193078, MONDO:0032730, OMIM 618404.
Inborn genetic diseases. Identifiers: MedGen C0950123, MeSH D030342.

Allele frequency attached by ClinVar (database versions not stated): gnomAD exomes below 0.00001; TOPMed below 0.00001.
gnomAD v4.1: 6 of 1,614,176 alleles (0.00037%); highest among the groups gnomAD compares: South Asian, 0.0022%; no homozygotes.

Submissions (2):

SIB Swiss Institute of Bioinformatics
Classification: Likely pathogenic for Leukodystrophy, hypomyelinating, 18. Last evaluated: 2019-09-25. Review status: criteria provided, single submitter. Criteria: ACMG Guidelines, 2015. Collection method: curation. Allele origin: unknown.
Comment: This variant is interpreted as a Likely pathogenic for Leukodystrophy, hypomyelinating, 18, autosomal recessive. The following ACMG Tag(s) were applied: PM2, PP3, PM3, PS3.

Ambry Genetics
Classification: Likely pathogenic for Inborn genetic diseases. Last evaluated: 2019-05-22. Review status: criteria provided, single submitter. Criteria: Ambry exome assertion method (8-5-2015). Collection method: clinical testing. Allele origin: germline. Affected: yes. Observed: 1 variant allele.

Literature cited by the submitters: PubMed 30620337 (cited by SIB Swiss Institute of Bioinformatics and Ambry Genetics).